The following is an entry in ClinVar:

NM_001134363.3(RBM20):c.191del (p.Asn64fs)

Gene: RBM20 (RNA binding motif protein 20; plus strand). Cytogenetic location: 10q25.2.
Variant type: Deletion.
Coding change: c.191del on transcript NM_001134363.3 (MANE Select); coding-DNA position 191, one base deleted (A; older notation c.191delA).
Protein change: p.Asn64fs; shifts the reading frame from asparagine 64.
Molecular consequence: frameshift variant.
Genome position (GRCh38, 1-based): chr10:110,644,645, A deleted; the last of 4 consecutive A bases (chr10:110,644,642-110,644,645); deleting any one gives the same sequence. VCF-style (leftmost placement, unchanged base first): chr10-110644641-CA-C. GRCh37 (hg19) VCF-style: chr10-112404399-CA-C.
Other names: short protein forms N64fs.
Identifiers: ClinVar variation 2759658 (VCV002759658.3), dbSNP rs2493192910, ClinGen allele CA2610890770.

ClinVar aggregate classification (germline): Pathogenic (1 of 4 stars; one submission).

Conditions:
Dilated cardiomyopathy 1DD (CMD1DD). Identifiers: Orphanet 154, MedGen C2750995, MONDO:0013168, OMIM 613172.

Submission:

Labcorp Genetics (formerly Invitae), Labcorp
Classification: Pathogenic for Dilated cardiomyopathy 1DD. Last evaluated: 2025-11-21. Review status: criteria provided, single submitter. Criteria: Invitae Variant Classification Sherloc (09022015). Collection method: clinical testing. Allele origin: germline.
Comment: This sequence change creates a premature translational stop signal (p.Asn64Metfs*40) in the RBM20 gene. It is expected to result in an absent or disrupted protein product. Loss-of-function variants in RBM20 are known to be pathogenic (PMID: 20590677, 22004663, 38288598, 38510713, 40339755). This variant is not present in population databases (gnomAD no frequency). This variant has not been reported in the literature in individuals affected with RBM20-related conditions. ClinVar contains an entry for this variant (Variation ID: 2759658). For these reasons, this variant has been classified as Pathogenic.

Literature cited by the submitters: PubMed 20590677; PubMed 22004663; PubMed 38288598; PubMed 38510713; PubMed 40339755.